The following is an entry in ClinVar:

ClinVar aggregate classification (germline): Uncertain significance. Review status: criteria provided, multiple submitters, no conflicts (2 of 4 stars). 2 submissions from 2 submitters: Uncertain significance (2). Last evaluated 2025-01-02.

Conditions:
Inborn genetic diseases. Identifiers: MedGen C0950123, MeSH D030342.
Acyl-CoA oxidase deficiency. Also called: STRAIGHT-CHAIN ACYL-CoA OXIDASE DEFICIENCY; Pseudoneonatal adrenoleukodystrophy; Peroxisomal acyl-CoA oxidase deficiency. Identifiers: Orphanet 2971, MedGen C1849678, MONDO:0009919, OMIM 264470. Disease mechanism: loss of function.

Allele frequency attached by ClinVar (database versions not stated): ExAC 0.00003; TOPMed 0.00003; gnomAD 0.00004; ESP Exome Variant Server 0.00015.
gnomAD v4.1: 55 of 1,614,018 alleles (0.0034%); highest among the groups gnomAD compares: Non-Finnish European, 0.0041%; no homozygotes.

Submissions (2):

Ambry Genetics
Classification: Uncertain significance for Inborn genetic diseases. Last evaluated: 2025-01-02. Review status: criteria provided, single submitter. Criteria: Ambry Variant Classification Scheme 2023. Collection method: clinical testing. Allele origin: germline.

Labcorp Genetics (formerly Invitae), Labcorp
Classification: Uncertain significance for Acyl-CoA oxidase deficiency. Last evaluated: 2024-05-06. Review status: criteria provided, single submitter. Criteria: Invitae Variant Classification Sherloc (09022015). Collection method: clinical testing. Allele origin: germline.
Comment: This sequence change replaces alanine, which is neutral and non-polar, with valine, which is neutral and non-polar, at codon 296 of the ACOX1 protein (p.Ala296Val). The frequency data for this variant in the population databases is considered unreliable, as metrics indicate poor data quality at this position in the gnomAD database. This variant has not been reported in the literature in individuals affected with ACOX1-related conditions. ClinVar contains an entry for this variant (Variation ID: 2078381). Advanced modeling of protein sequence and biophysical properties (such as structural, functional, and spatial information, amino acid conservation, physicochemical variation, residue mobility, and thermodynamic stability) performed at Invitae indicates that this missense variant is not expected to disrupt ACOX1 protein function with a negative predictive value of 80%. In summary, the available evidence is currently insufficient to determine the role of this variant in disease. Therefore, it has been classified as a Variant of Uncertain Significance.

NM_004035.7(ACOX1):c.887C>T (p.Ala296Val)

Gene: ACOX1 (acyl-CoA oxidase 1; minus strand). Cytogenetic location: 17q25.1.
Variant type: single nucleotide variant.
Coding change: c.887C>T on transcript NM_004035.7 (MANE Select); coding-DNA position 887, C replaced by T.
Protein change: p.Ala296Val; replaces alanine 296 with valine.
Molecular consequence: missense variant.
Genome position (GRCh38, 1-based): chr17:75,953,508, G>A on the plus strand (C>T on the coding strand, the complement: ACOX1 is on the minus strand). VCF-style: chr17-75953508-G-A. GRCh37 (hg19) VCF-style: chr17-73949589-G-A.
Other names: c.773C>T, p.Ala258Val (NM_001185039.2); c.887C>T, p.Ala296Val (NM_007292.6); c.887C>T (NM_004035.6); short protein forms A258V, A296V.
Identifiers: ClinVar variation 2078381 (VCV002078381.5), dbSNP rs148407756, ClinGen allele CA8776900.